The following is an entry in ClinVar:

ClinVar aggregate classification (germline): Uncertain significance (1 of 4 stars; one submission).

Conditions:
Autism (AUTS). Also called: Autistic disorder; Autistic disorder of childhood onset. Identifiers: MedGen C0004352, MeSH D001321, MONDO:0005260, OMIM 209850, HP:0000717.

Allele frequency attached by ClinVar (database versions not stated): gnomAD 0.00001; TOPMed 0.00002.
gnomAD v4.1: 6 of 1,591,584 alleles (0.00038%); highest among the groups gnomAD compares: Non-Finnish European, 0.00051%; no homozygotes.

Submission:

Baylor Genetics
Classification: Uncertain significance for Autism. Last evaluated: 2017-09-01. Review status: criteria provided, single submitter. Criteria: ACMG Guidelines, 2015. Collection method: clinical testing. Allele origin: de novo. Inheritance: Autosomal dominant inheritance. Affected: yes.
Comment: A de novo mutation in BRWD1 was reported in one patient with autism [PMID: 22495309]. However, there is not sufficient data to confirm the effect of BRWD1 mutations. The c.2352G>A change is located at 3 base pairs downstream of the splice site of exon 21. Although the c.2352G>A change is predicted as a synonymous variant, this change may affect RNA splicing.

Literature cited by the submitters: PubMed 22495309; PubMed 25326635.

NM_033656.4(BRWD1):c.2352G>A (p.Ser784=)

Gene: BRWD1 (bromodomain and WD repeat domain containing 1; minus strand). Cytogenetic location: 21q22.2.
Variant type: single nucleotide variant.
Coding change: c.2352G>A on transcript NM_033656.4 (MANE Select); coding-DNA position 2352, G replaced by A.
Protein change: p.Ser784=; no amino-acid change (serine 784 retained).
Molecular consequence: synonymous variant.
Genome position (GRCh38, 1-based): chr21:39,247,830, C>T on the plus strand (G>A on the coding strand, the complement: BRWD1 is on the minus strand). VCF-style: chr21-39247830-C-T. GRCh37 (hg19) VCF-style: chr21-40619756-C-T.
Other names: c.2352G>A, p.Ser784= (NM_018963.5).
Identifiers: ClinVar variation 560965 (VCV000560965.2), dbSNP rs918131106, ClinGen allele CA320574975.
Genomic context (GRCh38, chr21:39,247,830, plus strand): 5'-ATTTGGATATTTACGCCTACATGTCCTTTGTCTAGACTGTGATACCAAAACCACTGAATC[C>T]GACTGAAACACAGAAAAACATGCGAATGAAAATCAACACCTAAATAAGGACAATATCAAC-3'
Protein context (NP_387505.1, residues 774-794): KRKTLQLSHK[Ser784=]DSVVLVSQSR